The following is an entry in ClinVar:

ClinVar aggregate classification (germline): Uncertain significance (1 of 4 stars; one submission).

Allele frequency attached by ClinVar (database versions not stated): gnomAD exomes 0.00001.
gnomAD v4.1: 12 of 1,614,088 alleles (0.00074%); highest among the groups gnomAD compares: Non-Finnish European, 0.001%; no homozygotes.

Submission:

GeneDx
Classification: Uncertain significance. Last evaluated: 2024-02-06. Review status: criteria provided, single submitter. Criteria: GeneDx Variant Classification Process June 2021. Collection method: clinical testing. Allele origin: germline. Affected: yes.
Comment: Not observed at significant frequency in large population cohorts (gnomAD); In silico analysis supports that this missense variant does not alter protein structure/function; Has not been previously published as pathogenic or benign to our knowledge

NM_002609.4(PDGFRB):c.251T>C (p.Val84Ala)

Gene: PDGFRB (platelet derived growth factor receptor beta; minus strand). Cytogenetic location: 5q32.
Variant type: single nucleotide variant.
Coding change: c.251T>C on transcript NM_002609.4 (MANE Select); coding-DNA position 251, T replaced by C.
Protein change: p.Val84Ala; replaces valine 84 with alanine.
Molecular consequence: missense variant. On other transcripts: 5 prime UTR variant (1).
Genome position (GRCh38, 1-based): chr5:150,135,668, A>G on the plus strand (T>C on the coding strand, the complement: PDGFRB is on the minus strand). VCF-style: chr5-150135668-A-G. GRCh37 (hg19) VCF-style: chr5-149515231-A-G.
Other names: c.59T>C, p.Val20Ala (NM_001355016.2); c.-267T>C (NM_001355017.2); short protein forms V20A, V84A.
Identifiers: ClinVar variation 1311278 (VCV001311278.3), dbSNP rs2113912296, ClinGen allele CA361728261.